The following is an entry in ClinVar:

ClinVar aggregate classification (germline): Pathogenic. Review status: criteria provided, multiple submitters, no conflicts (2 of 4 stars). 18 submissions from 18 submitters: Pathogenic (14). 4 of the submissions do not count toward it. Last evaluated 2026-07-21.

Conditions:
ALDOB-related disorder. Also called: ALDOB-related condition.
Inborn genetic diseases. Identifiers: MedGen C0950123, MeSH D030342.
Glycogen storage disease. Also called: glycogen storage disorder; Disorder of glycogen metabolism. Identifiers: Orphanet 79201, MedGen C0017919, MONDO:0002412.
Hereditary fructosuria. Also called: Hereditary fructose intolerance; Fructose intolerance; ALDOB DEFICIENCY; ALDOLASE B DEFICIENCY; FRUCTOSE-1,6-BISPHOSPHATE ALDOLASE B DEFICIENCY; FRUCTOSE-1-PHOSPHATE ALDOLASE DEFICIENCY. Identifiers: Orphanet 469, MedGen C0016751, MONDO:0009249, OMIM 229600, HP:0005973. Disease mechanism: loss of function.

Allele frequency attached by ClinVar (database versions not stated): TOPMed 0.00008; ExAC 0.00009; gnomAD 0.00010; 1000 Genomes Project 30x 0.00031.
gnomAD v4.1: 297 of 1,614,068 alleles (0.018%); highest among the groups gnomAD compares: Admixed American, 0.025%; 1 homozygote.

Submissions (18):

PreventionGenetics, part of Exact Sciences
Classification: Pathogenic for ALDOB-related condition. Last evaluated: 2026-07-21. Review status: criteria provided, single submitter. Criteria: ACMG Guidelines, 2015. Collection method: clinical testing. Allele origin: germline.
Comment: The ALDOB c.178C>T variant is predicted to result in premature protein termination (p.Arg60*). This variant is alternatively referred to as R59op and Arg59Ter in the literature and has been reported along with a second causative ALDOB variant in individuals with hereditary fructose intolerance (HFI) (see, for example, Brooks et al. 1994. PubMed ID: 8299883; Ali et al. 1994. PubMed ID: 8071980; Valadares et al. 2015. PubMed ID: 26937407; Kim et al. 2021. PubMed ID: 33028743; Aldag et al. 2022. PubMed ID: 35398868). This variant is reported in 0.011% of alleles in individuals of Latino descent in gnomAD and is interpreted as pathogenic in ClinVar (Variation ID: 472). Nonsense variants in ALDOB are expected to be pathogenic. This variant is interpreted as pathogenic.

Dasa
Classification: Pathogenic. Last evaluated: 2026-02-06. Review status: criteria provided, single submitter. Criteria: DASA Assertion Criteria. Collection method: clinical testing. Allele origin: germline.
Comment: NM_000035.4(ALDOB):c.178C>T (p.Arg60*) introduces a premature termination codon predicted to result in loss of normal protein function. Loss-of-function is an established mechanism of disease for this gene. This variant has been observed in affected individuals with related phenotype in a genotype context consistent with recessive disease (PMID: 8071980; PMID: 8299883; PMID: 15880727; PMID: 20882353). This variant has been recurrently observed in individuals with related phenotype (PMID: 8071980; PMID: 8299883; PMID: 15880727; PMID: 20882353). The variant is present at low frequency in population datasets. Based on the available data, this variant is classified as pathogenic.

Labcorp Genetics (formerly Invitae), Labcorp
Classification: Pathogenic for Hereditary fructosuria. Last evaluated: 2026-01-24. Review status: criteria provided, single submitter. Criteria: Invitae Variant Classification Sherloc (09022015). Collection method: clinical testing. Allele origin: germline.
Comment: This sequence change creates a premature translational stop signal (p.Arg60*) in the ALDOB gene. It is expected to result in an absent or disrupted protein product. Loss-of-function variants in ALDOB are known to be pathogenic (PMID: 18541450). This variant is present in population databases (rs118204429, gnomAD 0.01%). This premature translational stop signal has been observed in individuals with hereditary fructose intolerance (PMID: 8071980, 8299883, 15880727, 20882353, 26937407). It has also been observed to segregate with disease in related individuals. ClinVar contains an entry for this variant (Variation ID: 472). For these reasons, this variant has been classified as Pathogenic.

NHS Central & South Genomic Laboratory Hub
Classification: Pathogenic for Glycogen storage disease. Last evaluated: 2025-10-21. Review status: criteria provided, single submitter. Criteria: ACMG Guidelines, 2015. Collection method: clinical testing. Allele origin: germline. Affected: yes.

3billion
Classification: Pathogenic for Hereditary fructosuria. Last evaluated: 2025-10-03. Review status: criteria provided, single submitter. Criteria: ACMG Guidelines, 2015. Collection method: clinical testing. Allele origin: germline. Affected: yes.
Comment: The variant is observed at an extremely low frequency in the gnomAD v4.1.0 dataset (total allele frequency: 0.018%). Predicted Consequence/Location: Stop-gained (nonsense): predicted to result in a loss or disruption of normal protein function through nonsense-mediated decay (NMD) or protein truncation. Multiple pathogenic variants are reported downstream of the variant. The variant has been reported to be in trans with a pathogenic variant as either compound heterozygous or homozygous in at least 4 similarly affected unrelated individuals (PMID: 33028743, 8071980, 8299883). The variant has been reported at least twice as pathogenic with clinical assertions and evidence for the classification (ClinVar ID: VCV000000472 /PMID: 8299883 /3billion dataset). Therefore, this variant is classified as Pathogenic according to the recommendation of ACMG/AMP guideline.

Natera, Inc.
Classification: Pathogenic for Fructose intolerance. Last evaluated: 2025-09-11. Review status: criteria provided, single submitter. Criteria: Natera Variant Classification Schema (03/2026). Collection method: clinical testing. Allele origin: germline.
Comment: The c.178C>T variant in ALDOB is a nonsense variant predicted to introduce a stop codon at amino acid 60. This variant is expected to result in nonsense mediated decay, truncation, or a dysfunctional protein product. This variant is rare in the general population with a frequency below the threshold expected for the associated phenotype(s). This variant has been observed in one or more individuals affected with the associated recessive disease, as either homozygous or compound heterozygous with a second variant (PMID: 18541450). Given the available evidence, this variant is classified as Pathogenic.

Revvity Omics, Revvity
Classification: Pathogenic for Hereditary fructosuria. Last evaluated: 2025-03-27. Review status: criteria provided, single submitter. Criteria: ACMG Guidelines, 2015. Collection method: clinical testing. Allele origin: germline.

Blueprint Genetics
Classification: Pathogenic for ALDOB-related disorders. Last evaluated: 2024-05-22. Review status: criteria provided, single submitter. Criteria: ACMG Guidelines, 2015. Collection method: clinical testing. Allele origin: germline. Affected: yes. Observed: 5 variant alleles.

Fulgent Genetics
Classification: Pathogenic for Hereditary fructosuria. Last evaluated: 2024-03-18. Review status: criteria provided, single submitter. Criteria: ACMG Guidelines, 2015. Collection method: clinical testing. Allele origin: germline.

GeneDx
Classification: Pathogenic. Last evaluated: 2022-09-06. Review status: criteria provided, single submitter. Criteria: GeneDx Variant Classification Process June 2021. Collection method: clinical testing. Allele origin: germline. Affected: yes.
Comment: Nonsense variant predicted to result in protein truncation or nonsense mediated decay in a gene for which loss-of-function is a known mechanism of disease; Also reported as R59X due to alternate nomenclature; This variant is associated with the following publications: (PMID: 25525159, 8299883, 8071980, 26937407, 15880727, 27604308, 20882353, 20033295, 8299892, 35398868, 18541450)

Ambry Genetics
Classification: Pathogenic for Inborn genetic diseases. Last evaluated: 2022-04-21. Review status: criteria provided, single submitter. Criteria: Ambry Variant Classification Scheme 2023. Collection method: clinical testing. Allele origin: germline.
Comment: The c.178C>T (p.R60*) alteration, located in exon 3 (coding exon 2) of the ALDOB gene, consists of a C to T substitution at nucleotide position 178. This changes the amino acid from an arginine (R) to a stop codon at amino acid position 60. This alteration is expected to result in loss of function by premature protein truncation or nonsense-mediated mRNA decay. Based on data from gnomAD, the T allele has an overall frequency of 0.0085% (24/282704) total alleles studied. The highest observed frequency was 0.01% (4/35438) of Latino alleles. This alteration has been reported in multiple patients with hereditary fructose intolerance (Brooks, 1994; Santer, 2005; Davit-Spraul, 2008; Valadares, 2015; Kim, 2021). Based on the available evidence, this alteration is classified as pathogenic.

Genome-Nilou Lab
Classification: Pathogenic for Hereditary fructosuria. Last evaluated: 2021-07-22. Review status: criteria provided, single submitter. Criteria: ACMG Guidelines, 2015. Collection method: clinical testing. Allele origin: germline. Affected: no.

Laboratorio de Genetica e Diagnostico Molecular, Hospital Israelita Albert Einstein
Classification: Pathogenic. Last evaluated: 2019-05-09. Review status: criteria provided, single submitter. Criteria: ACMG Guidelines, 2015. Collection method: clinical testing. Allele origin: germline. Affected: yes.
Comment: ACMG classification criteria: PVS1, PM2, PM3, PP3, PP5

Women's Health and Genetics/Laboratory Corporation of America, LabCorp
Classification: Pathogenic for Hereditary fructosuria. Last evaluated: 2017-11-09. Review status: criteria provided, single submitter. Criteria: LabCorp Variant Classification Summary - May 2015. Collection method: clinical testing. Allele origin: germline.
Comment: Variant summary: The ALDOB c.178C>T (p.Arg60X) variant results in a premature termination codon, predicted to cause a truncated or absent ALDOB protein due to nonsense mediated decay, which are commonly known mechanisms for disease. This variant was found in 20/277036 control chromosomes (gnomAD) at a frequency of 0.0000722, which does not exceed the estimated maximal expected allele frequency of a pathogenic ALDOB variant (0.0044721). Multiple publications have cited the variant in affected compound heterozygote and homozygote patients. In addition, multiple clinical diagnostic laboratories/reputable databases classified this variant as likely pathogenic/pathogenic. Taken together, this variant is classified as pathogenic.

ATS em Genética Clínica, Universidade Federal do Rio Grande do Sul
Classification: Likely pathogenic for Hereditary fructosuria. Last evaluated: 2021-03-18. Review status: no assertion criteria provided. Collection method: literature only. Allele origin: unknown. Affected: yes. Not counted in ClinVar's aggregate classification.

Counsyl
Classification: Likely pathogenic for Hereditary fructosuria. Last evaluated: 2014-06-10. Review status: no assertion criteria provided. Collection method: literature only. Allele origin: unknown. Inheritance: Autosomal recessive inheritance. Not counted in ClinVar's aggregate classification.

OMIM
Classification: Pathogenic for FRUCTOSE INTOLERANCE, HEREDITARY. Last evaluated: 1994-06-01. Review status: no assertion criteria provided. Collection method: literature only. Allele origin: germline. Not counted in ClinVar's aggregate classification.

GeneReviews
No classification provided. Condition: Hereditary fructosuria. Review status: no classification provided. Collection method: literature only. Allele origin: germline. Not counted in ClinVar's aggregate classification.
Comment: One of the six most common HFI variants in US and European populations including Turkey, Spain, Central Europe, France, US, and Italy

Literature cited by the submitters: PubMed 8071980 (cited by 5 submitters); PubMed 8299883 (cited by 6 submitters); PubMed 15880727 (cited by 5 submitters); PubMed 20882353 (cited by Dasa and Labcorp Genetics (formerly Invitae), Labcorp); PubMed 18541450 (cited by 6 submitters); PubMed 26937407 (cited by 3 submitters); PubMed 33028743 (cited by 3billion and Ambry Genetics); PubMed 8299892 (cited by Counsyl); PubMed 20033295 (cited by Counsyl and GeneReviews); PubMed 11757579 (cited by GeneReviews); PubMed 12205126 (cited by GeneReviews); PubMed 23430936 (cited by GeneReviews).

NM_000035.4(ALDOB):c.178C>T (p.Arg60Ter)

Gene: ALDOB (aldolase, fructose-bisphosphate B; minus strand). Cytogenetic location: 9q31.1.
Variant type: single nucleotide variant.
Coding change: c.178C>T on transcript NM_000035.4 (MANE Select); coding-DNA position 178, C replaced by T.
Protein change: p.Arg60Ter; replaces arginine 60 with a stop codon.
Molecular consequence: nonsense.
Genome position (GRCh38, 1-based): chr9:101,429,901, G>A on the plus strand (C>T on the coding strand, the complement: ALDOB is on the minus strand). VCF-style: chr9-101429901-G-A. GRCh37 (hg19) VCF-style: chr9-104192183-G-A.
Other names: R59*; c.178C>T, p.Arg60Ter (LRG_1244t1); short protein forms R60*.
Identifiers: ClinVar variation 472 (VCV000000472.44), dbSNP rs118204429, ClinGen allele CA339813.